The following is an entry in ClinVar:

ClinVar aggregate classification (germline): Uncertain significance (1 of 4 stars; one submission).

Conditions:
Neurofibromatosis, type 1 (NF1). Also called: VON RECKLINGHAUSEN DISEASE; Peripheral type neurofibromatosis; Neurofibromatosis, type I; NEUROFIBROMATOSIS, TYPE I, SOMATIC. Identifiers: Orphanet 636, MedGen C0027831, MONDO:0018975, OMIM 162200. Disease mechanism: loss of function.

Submission:

Labcorp Genetics (formerly Invitae), Labcorp
Classification: Uncertain significance for Neurofibromatosis, type 1. Last evaluated: 2021-04-21. Review status: criteria provided, single submitter. Criteria: Invitae Variant Classification Sherloc (09022015). Collection method: clinical testing. Allele origin: germline.
Comment: This variant has not been reported in the literature in individuals with NF1-related conditions. This variant is not present in population databases (ExAC no frequency). This sequence change replaces leucine with arginine at codon 2735 of the NF1 protein (p.Leu2735Arg). The leucine residue is highly conserved and there is a moderate physicochemical difference between leucine and arginine. In summary, the available evidence is currently insufficient to determine the role of this variant in disease. Therefore, it has been classified as a Variant of Uncertain Significance. Advanced modeling of protein sequence and biophysical properties (such as structural, functional, and spatial information, amino acid conservation, physicochemical variation, residue mobility, and thermodynamic stability) performed at Invitae indicates that this missense variant is not expected to disrupt NF1 protein function.

NM_001042492.3(NF1):c.8267T>G (p.Leu2756Arg)

Gene: NF1 (neurofibromin 1; plus strand). Cytogenetic location: 17q11.2.
Variant type: single nucleotide variant.
Coding change: c.8267T>G on transcript NM_001042492.3 (MANE Select); coding-DNA position 8267, T replaced by G.
Protein change: p.Leu2756Arg; replaces leucine 2756 with arginine.
Molecular consequence: missense variant.
Genome position (GRCh38, 1-based): chr17:31,360,593, T>G. VCF-style: chr17-31360593-T-G. GRCh37 (hg19) VCF-style: chr17-29687611-T-G.
Other names: c.8204T>G, p.Leu2735Arg (NM_000267.4); short protein forms L2756R, L2735R.
Identifiers: ClinVar variation 1345921 (VCV001345921.8), dbSNP rs1555537241, ClinGen allele CA399204755.